The following is an entry in ClinVar:

NM_000135.4(FANCA):c.2131C>G (p.Leu711Val)

Gene: FANCA (FA complementation group A; minus strand). Cytogenetic location: 16q24.3.
Variant type: single nucleotide variant.
Coding change: c.2131C>G on transcript NM_000135.4 (MANE Select); coding-DNA position 2131, C replaced by G.
Protein change: p.Leu711Val; replaces leucine 711 with valine.
Molecular consequence: missense variant.
Genome position (GRCh38, 1-based): chr16:89,771,698, G>C on the plus strand (C>G on the coding strand, the complement: FANCA is on the minus strand). VCF-style: chr16-89771698-G-C. GRCh37 (hg19) VCF-style: chr16-89838106-G-C.
Other names: c.2131C>G, p.Leu711Val (NM_001286167.3); short protein forms L711V.
Identifiers: ClinVar variation 3848255 (VCV003848255.1).

ClinVar aggregate classification (germline): Uncertain significance (1 of 4 stars; one submission).

Conditions:
Inborn genetic diseases. Identifiers: MedGen C0950123, MeSH D030342.

Submission:

Ambry Genetics
Classification: Uncertain significance for Inborn genetic diseases. Last evaluated: 2025-02-21. Review status: criteria provided, single submitter. Criteria: Ambry Variant Classification Scheme 2023. Collection method: clinical testing. Allele origin: germline.
Comment: The p.L711V variant (also known as c.2131C>G), located in coding exon 23 of the FANCA gene, results from a C to G substitution at nucleotide position 2131. The leucine at codon 711 is replaced by valine, an amino acid with highly similar properties. This amino acid position is conserved. In addition, this alteration is predicted to be tolerated by in silico analysis. Based on the available evidence, the clinical significance of this variant remains unclear.